The following is an entry in ClinVar:

ClinVar aggregate classification (germline): Likely benign (1 of 4 stars; one submission).

gnomAD v4.1: 219 of 1,613,750 alleles (0.014%); highest among the groups gnomAD compares: Admixed American, 0.018%; no homozygotes.

Submission:

CeGaT Center for Human Genetics Tuebingen
Classification: Likely benign. Last evaluated: 2026-05-01. Review status: criteria provided, single submitter. Criteria: CeGaT Center For Human Genetics Tuebingen Variant Classification Criteria Version 2. Collection method: clinical testing. Allele origin: germline. Affected: yes. Observed: 1 variant allele.
Comment: RFX7: BP4

NM_022841.7(RFX7):c.2001C>T (p.Thr667=)

Gene: RFX7 (regulatory factor X7; minus strand). Cytogenetic location: 15q21.3.
Variant type: single nucleotide variant.
Coding change: c.2001C>T on transcript NM_022841.7 (MANE Select); coding-DNA position 2001, C replaced by T.
Protein change: p.Thr667=; no amino-acid change (threonine 667 retained).
Molecular consequence: synonymous variant.
Genome position (GRCh38, 1-based): chr15:56,095,727, G>A on the plus strand (C>T on the coding strand, the complement: RFX7 is on the minus strand). VCF-style: chr15-56095727-G-A. GRCh37 (hg19) VCF-style: chr15-56387925-G-A.
Other names: c.1710C>T, p.Thr570= (NM_001368073.2, NM_001368074.1, NM_001370554.1); c.2001C>T, p.Thr667= (NM_001370561.1).
Identifiers: ClinVar variation 4872247 (VCV004872247.2).